The following is an entry in ClinVar:

ClinVar aggregate classification (germline): Uncertain significance. Review status: criteria provided, multiple submitters, no conflicts (2 of 4 stars). 2 submissions from 2 submitters: Uncertain significance (2). Last evaluated 2025-08-06.

Conditions:
Cardiovascular phenotype. Identifiers: MedGen CN230736.
DiGeorge syndrome. Also called: THIRD AND FOURTH PHARYNGEAL POUCH SYNDROME; Catch22. Identifiers: Orphanet 567, MedGen C0012236, MONDO:0008564, OMIM 188400.

Allele frequency attached by ClinVar (database versions not stated): TOPMed below 0.00001; gnomAD 0.00001; 1000 Genomes Project 30x 0.00031.

Submissions (2):

Labcorp Genetics (formerly Invitae), Labcorp
Classification: Uncertain significance for DiGeorge syndrome. Last evaluated: 2025-08-06. Review status: criteria provided, single submitter. Criteria: Invitae Variant Classification Sherloc (09022015). Collection method: clinical testing. Allele origin: germline.
Comment: This sequence change replaces alanine, which is neutral and non-polar, with threonine, which is neutral and polar, at codon 349 of the TBX1 protein (p.Ala349Thr). This variant is not present in population databases (gnomAD no frequency). This variant has not been reported in the literature in individuals affected with TBX1-related conditions. ClinVar contains an entry for this variant (Variation ID: 1914166). An algorithm developed to predict the effect of missense changes on protein structure and function (PolyPhen-2) suggests that this variant is likely to be tolerated. In summary, the available evidence is currently insufficient to determine the role of this variant in disease. Therefore, it has been classified as a Variant of Uncertain Significance.

Ambry Genetics
Classification: Uncertain significance for Cardiovascular phenotype. Last evaluated: 2024-08-31. Review status: criteria provided, single submitter. Criteria: Ambry Variant Classification Scheme 2023. Collection method: clinical testing. Allele origin: germline.
Comment: The p.A349T variant (also known as c.1045G>A), located in coding exon 8 of the TBX1 gene, results from a G to A substitution at nucleotide position 1045. The alanine at codon 349 is replaced by threonine, an amino acid with similar properties. This amino acid position is conserved. In addition, this alteration is predicted to be tolerated by in silico analysis. Based on the available evidence, the clinical significance of this variant remains unclear.

NM_001379200.1(TBX1):c.1072G>A (p.Ala358Thr)

Gene: TBX1 (T-box transcription factor 1; plus strand). Cytogenetic location: 22q11.21.
Variant type: single nucleotide variant.
Coding change: c.1072G>A on transcript NM_001379200.1 (MANE Select); coding-DNA position 1072, G replaced by A.
Protein change: p.Ala358Thr; replaces alanine 358 with threonine.
Molecular consequence: missense variant. On other transcripts: intron variant (2).
Genome position (GRCh38, 1-based): chr22:19,766,424, G>A. VCF-style: chr22-19766424-G-A. GRCh37 (hg19) VCF-style: chr22-19753947-G-A.
Other names: c.1045G>A, p.Ala349Thr (NM_080647.1); c.1009+422G>A (NM_005992.1, NM_080646.2); short protein forms A349T, A358T.
Identifiers: ClinVar variation 1914166 (VCV001914166.6), dbSNP rs1936846181, ClinGen allele CA410684034.